The following is an entry in ClinVar:

ClinVar aggregate classification (germline): Uncertain significance. Review status: criteria provided, multiple submitters, no conflicts (2 of 4 stars). 4 submissions from 4 submitters: Uncertain significance (4). Last evaluated 2025-09-26.

Conditions:
Inborn genetic diseases. Identifiers: MedGen C0950123, MeSH D030342.

Allele frequency attached by ClinVar (database versions not stated): gnomAD 0.00001; TOPMed 0.00005; gnomAD exomes 0.00006; ExAC 0.00007.

Submissions (4):

Ambry Genetics
Classification: Uncertain significance for Inborn genetic diseases. Last evaluated: 2025-09-26. Review status: criteria provided, single submitter. Criteria: Ambry Variant Classification Scheme 2023. Collection method: clinical testing. Allele origin: germline.

Blueprint Genetics
Classification: Uncertain significance. Last evaluated: 2024-01-29. Review status: criteria provided, single submitter. Criteria: ACMG Guidelines, 2015. Collection method: clinical testing. Allele origin: germline.

GeneDx
Classification: Uncertain significance. Last evaluated: 2021-10-13. Review status: criteria provided, single submitter. Criteria: GeneDx Variant Classification Process June 2021. Collection method: clinical testing. Allele origin: germline. Affected: yes.
Comment: In silico analysis supports that this missense variant does not alter protein structure/function; Has not been previously published as pathogenic or benign to our knowledge

Labcorp Genetics (formerly Invitae), Labcorp
Classification: Uncertain significance. Last evaluated: 2021-08-27. Review status: criteria provided, single submitter. Criteria: Invitae Variant Classification Sherloc (09022015). Collection method: clinical testing. Allele origin: germline.
Comment: This sequence change replaces isoleucine with leucine at codon 1901 of the CDH23 protein (p.Ile1901Leu). The isoleucine residue is highly conserved and there is a small physicochemical difference between isoleucine and leucine. This variant is present in population databases (rs772076056, ExAC 0.01%). This variant has not been reported in the literature in individuals affected with CDH23-related conditions. Algorithms developed to predict the effect of missense changes on protein structure and function are either unavailable or do not agree on the potential impact of this missense change (SIFT: "Deleterious"; PolyPhen-2: "Not Available"; Align-GVGD: "Class C0"). In summary, the available evidence is currently insufficient to determine the role of this variant in disease. Therefore, it has been classified as a Variant of Uncertain Significance.

NM_022124.6(CDH23):c.5701A>C (p.Ile1901Leu)

Gene: CDH23 (cadherin related 23; plus strand). Cytogenetic location: 10q22.1.
Variant type: single nucleotide variant.
Coding change: c.5701A>C on transcript NM_022124.6 (MANE Select); coding-DNA position 5701, A replaced by C.
Protein change: p.Ile1901Leu; replaces isoleucine 1901 with leucine.
Molecular consequence: missense variant.
Genome position (GRCh38, 1-based): chr10:71,785,089, A>C. VCF-style: chr10-71785089-A-C. GRCh37 (hg19) VCF-style: chr10-73544846-A-C.
Other names: short protein forms I1901L.
Identifiers: ClinVar variation 1676910 (VCV001676910.5), dbSNP rs772076056, ClinGen allele CA5545841.